The following is an entry in ClinVar:

ClinVar aggregate classification (germline): Pathogenic (1 of 4 stars; one submission).

Conditions:
Neurofibromatosis, type 1 (NF1). Also called: NEUROFIBROMATOSIS, TYPE I, SOMATIC; Neurofibromatosis, type I; Peripheral type neurofibromatosis; VON RECKLINGHAUSEN DISEASE. Identifiers: Orphanet 636, MedGen C0027831, MONDO:0018975, OMIM 162200. Disease mechanism: loss of function.

Submission:

Labcorp Genetics (formerly Invitae), Labcorp
Classification: Pathogenic for Neurofibromatosis, type 1. Last evaluated: 2022-01-20. Review status: criteria provided, single submitter. Criteria: Invitae Variant Classification Sherloc (09022015). Collection method: clinical testing. Allele origin: germline.
Comment: For these reasons, this variant has been classified as Pathogenic. This variant has not been reported in the literature in individuals affected with NF1-related conditions. This variant is not present in population databases (gnomAD no frequency). This sequence change creates a premature translational stop signal (p.Ile2106Serfs*21) in the NF1 gene. It is expected to result in an absent or disrupted protein product. Loss-of-function variants in NF1 are known to be pathogenic (PMID: 10712197, 23913538).

Literature cited by the submitters: PubMed 10712197; PubMed 23913538.

NM_001042492.3(NF1):c.6379_6385del (p.Ile2127fs)

Gene: NF1 (neurofibromin 1; plus strand). Cytogenetic location: 17q11.2.
Variant type: Deletion.
Coding change: c.6379_6385del on transcript NM_001042492.3 (MANE Select); coding-DNA positions 6379 to 6385, 7 bases deleted (ATTAATA; older notation c.6379_6385delATTAATA).
Protein change: p.Ile2127fs; shifts the reading frame from isoleucine 2127.
Molecular consequence: frameshift variant.
Genome position (GRCh38, 1-based): chr17:31,336,866-31,336,872, ATTAATA deleted. VCF-style (leftmost placement, unchanged base first): chr17-31336865-CATTAATA-C. GRCh37 (hg19) VCF-style: chr17-29663883-CATTAATA-C.
Other names: c.6316_6322delATTAATA, p.Ile2106Serfs (NM_000267.4); short protein forms I2127fs, I2106fs.
Identifiers: ClinVar variation 2088407 (VCV002088407.4), dbSNP rs2508749910, ClinGen allele CA2580093329.